The following is an entry in ClinVar:

ClinVar aggregate classification (germline): Likely benign (1 of 4 stars; one submission).

gnomAD v4.1: 1 of 1,604,192 alleles (0.000062%); highest among the groups gnomAD compares: Non-Finnish European, 0.000085%; no homozygotes.

Submission:

CeGaT Center for Human Genetics Tuebingen
Classification: Likely benign. Last evaluated: 2026-01-01. Review status: criteria provided, single submitter. Criteria: CeGaT Center For Human Genetics Tuebingen Variant Classification Criteria Version 2. Collection method: clinical testing. Allele origin: germline. Affected: yes. Observed: 1 variant allele.
Comment: BRCA1: BP4, BP7

NM_007294.4(BRCA1):c.544T>C (p.Leu182=)

Gene: BRCA1 (BRCA1 DNA repair associated; minus strand). Cytogenetic location: 17q21.31.
Variant type: single nucleotide variant.
Coding change: c.544T>C on transcript NM_007294.4 (MANE Select); coding-DNA position 544, T replaced by C.
Protein change: p.Leu182=; no amino-acid change (leucine 182 retained).
Molecular consequence: synonymous variant. On other transcripts: intron variant (2).
Genome position (GRCh38, 1-based): chr17:43,099,778, A>G on the plus strand (T>C on the coding strand, the complement: BRCA1 is on the minus strand). VCF-style: chr17-43099778-A-G. GRCh37 (hg19) VCF-style: chr17-41251795-A-G.
Other names: c.544T>C, p.Leu182= (NM_001407585.1, NM_001407593.1, NM_001407594.1 and 96 more transcripts); c.541T>C, p.Leu181= (NM_001407587.1, NM_001407590.1, NM_001407591.1 and 65 more transcripts); c.535T>C, p.Leu179= (NM_001407646.1, NM_001407647.1, NM_001408408.1); c.466T>C, p.Leu156= (NM_001407653.1, NM_001407654.1, NM_001407655.1 and 12 more transcripts); c.463T>C, p.Leu155= (NM_001407659.1, NM_001407660.1, NM_001407661.1 and 6 more transcripts); c.403T>C, p.Leu135= (NM_001407692.1, NM_001407694.1, NM_001407695.1 and 61 more transcripts); c.400T>C, p.Leu134= (NM_001407740.1, NM_001407741.1, NM_001407742.1 and 35 more transcripts); c.331T>C, p.Leu111= (NM_001407853.1, NM_001407894.1, NM_001407895.1 and 18 more transcripts); and 5 more.
Identifiers: ClinVar variation 4822953 (VCV004822953.4).